The following is an entry in ClinVar:

NM_001283009.2(RTEL1):c.986T>C (p.Ile329Thr)

Genes: RTEL1 (regulator of telomere elongation helicase 1; plus strand), RTEL1-TNFRSF6B (RTEL1-TNFRSF6B readthrough (NMD candidate); plus strand). Cytogenetic location: 20q13.33.
Variant type: single nucleotide variant.
Coding change: c.986T>C on transcript NM_001283009.2 (MANE Select); coding-DNA position 986, T replaced by C.
Protein change: p.Ile329Thr; replaces isoleucine 329 with threonine.
Molecular consequence: missense variant. On other transcripts: non-coding transcript variant (1).
Genome position (GRCh38, 1-based): chr20:63,678,295, T>C. VCF-style: chr20-63678295-T-C. GRCh37 (hg19) VCF-style: chr20-62309648-T-C.
Other names: c.317T>C, p.Ile106Thr (NM_001283010.1); c.986T>C, p.Ile329Thr (NM_016434.4); c.1058T>C, p.Ile353Thr (NM_032957.5); short protein forms I106T, I329T, I353T.
Identifiers: ClinVar variation 4827710 (VCV004827710.1).

ClinVar aggregate classification (germline): Uncertain significance (1 of 4 stars; one submission).

Conditions:
Inborn genetic diseases. Identifiers: MedGen C0950123, MeSH D030342.

Submission:

Ambry Genetics
Classification: Uncertain significance for Inborn genetic diseases. Last evaluated: 2026-03-03. Review status: criteria provided, single submitter. Criteria: Ambry Variant Classification Scheme 2023. Collection method: clinical testing. Allele origin: germline.
Comment: The p.I329T variant (also known as c.986T>C), located in coding exon 11 of the RTEL1 gene, results from a T to C substitution at nucleotide position 986. The isoleucine at codon 329 is replaced by threonine, an amino acid with similar properties. This amino acid position is conserved. In addition, this alteration is predicted to be deleterious by in silico analysis. Based on the available evidence, the clinical significance of this variant remains unclear.